The following is an entry in ClinVar:

ClinVar aggregate classification (germline): Uncertain significance. Review status: criteria provided, multiple submitters, no conflicts (2 of 4 stars). 2 submissions from 2 submitters: Uncertain significance (2). Last evaluated 2023-06-15.

Conditions:
Noonan syndrome 9 (NS9). Identifiers: Orphanet 648, MedGen C4225282, MONDO:0014691, OMIM 616559.

Allele frequency attached by ClinVar (database versions not stated): gnomAD exomes below 0.00001.
gnomAD v4.1: 1 of 1,614,058 alleles (0.000062%); no homozygotes.

Submissions (2):

Labcorp Genetics (formerly Invitae), Labcorp
Classification: Uncertain significance for Noonan syndrome 9. Last evaluated: 2023-06-15. Review status: criteria provided, single submitter. Criteria: Invitae Variant Classification Sherloc (09022015). Collection method: clinical testing. Allele origin: germline.
Comment: In summary, the available evidence is currently insufficient to determine the role of this variant in disease. Therefore, it has been classified as a Variant of Uncertain Significance. Advanced modeling of protein sequence and biophysical properties (such as structural, functional, and spatial information, amino acid conservation, physicochemical variation, residue mobility, and thermodynamic stability) performed at Invitae indicates that this missense variant is expected to disrupt SOS2 protein function. ClinVar contains an entry for this variant (Variation ID: 451894). This variant has not been reported in the literature in individuals affected with SOS2-related conditions. This variant is not present in population databases (gnomAD no frequency). This sequence change replaces phenylalanine, which is neutral and non-polar, with serine, which is neutral and polar, at codon 281 of the SOS2 protein (p.Phe281Ser).

GeneDx
Classification: Uncertain significance. Last evaluated: 2017-09-14. Review status: criteria provided, single submitter. Criteria: GeneDx Variant Classification (06012015). Collection method: clinical testing. Allele origin: germline. Affected: yes.
Comment: The F281S variant in the SOS2 gene has not been reported previously as a pathogenic variant, nor as a benign variant, to our knowledge. The F281S variant is not observed in large population cohorts (Lek et al., 2016; 1000 Genomes Consortium et al., 2015; Exome Variant Server). The F281S variant is a non-conservative amino acid substitution, which occurs at a position that is conserved across species. In silico analysis predicts this variant is probably damaging to the protein structure/function. We interpret F281S as a variant of uncertain significance

NM_006939.4(SOS2):c.842T>C (p.Phe281Ser)

Gene: SOS2 (SOS Ras/Rho guanine nucleotide exchange factor 2; minus strand). Cytogenetic location: 14q21.3.
Variant type: single nucleotide variant.
Coding change: c.842T>C on transcript NM_006939.4 (MANE Select); coding-DNA position 842, T replaced by C.
Protein change: p.Phe281Ser; replaces phenylalanine 281 with serine.
Molecular consequence: missense variant.
Genome position (GRCh38, 1-based): chr14:50,182,479, A>G on the plus strand (T>C on the coding strand, the complement: SOS2 is on the minus strand). VCF-style: chr14-50182479-A-G. GRCh37 (hg19) VCF-style: chr14-50649197-A-G.
Other names: short protein forms F281S.
Identifiers: ClinVar variation 451894 (VCV000451894.5), dbSNP rs1555371627, ClinGen allele CA389647625.
Genomic context (GRCh38, chr14:50,182,479, plus strand): 5'-CATTTAGGGCTTTAATGAGAATATAAGTAGTTTTGTAAACTTACTTCTGCCAAATCTTCA[A>G]AACAGCTGCCAGCTAAGGGATGAGGACTGCTTTCATCAGTCATTTCAACTGTGTCTTCAA-3'
Protein context (NP_008870.2, residues 271-291): SSPHPLAGSC[Phe281Ser]EDLAEEQAFD